The following is an entry in ClinVar:

ClinVar aggregate classification (germline): Uncertain significance. Review status: criteria provided, multiple submitters, no conflicts (2 of 4 stars). 2 submissions from 2 submitters: Uncertain significance (2). Last evaluated 2025-08-29.

Allele frequency attached by ClinVar (database versions not stated): ExAC 0.00001; TOPMed 0.00002; gnomAD exomes 0.00003; ESP Exome Variant Server 0.00008.
gnomAD v4.1: 45 of 1,613,662 alleles (0.0028%); highest among the groups gnomAD compares: Admixed American, 0.005%; no homozygotes.

Submissions (2):

Labcorp Genetics (formerly Invitae), Labcorp
Classification: Uncertain significance. Last evaluated: 2025-08-29. Review status: criteria provided, single submitter. Criteria: Invitae Variant Classification Sherloc (09022015). Collection method: clinical testing. Allele origin: germline.
Comment: This sequence change replaces valine, which is neutral and non-polar, with methionine, which is neutral and non-polar, at codon 45 of the MICAL1 protein (p.Val45Met). This variant is present in population databases (rs144928591, gnomAD 0.006%). This variant has not been reported in the literature in individuals affected with MICAL1-related conditions. ClinVar contains an entry for this variant (Variation ID: 1935719). An algorithm developed to predict the effect of missense changes on protein structure and function (PolyPhen-2) suggests that this variant is likely to be disruptive. In summary, the available evidence is currently insufficient to determine the role of this variant in disease. Therefore, it has been classified as a Variant of Uncertain Significance.

Ambry Genetics
Classification: Uncertain significance. Last evaluated: 2025-08-11. Review status: criteria provided, single submitter. Criteria: Ambry Variant Classification Scheme 2023. Collection method: clinical testing. Allele origin: germline.

NM_022765.4(MICAL1):c.76G>A (p.Val26Met)

Gene: MICAL1 (microtubule associated monooxygenase, calponin and LIM domain containing 1; minus strand). Cytogenetic location: 6q21.
Variant type: single nucleotide variant.
Coding change: c.76G>A on transcript NM_022765.4 (MANE Select); coding-DNA position 76, G replaced by A.
Protein change: p.Val26Met; replaces valine 26 with methionine.
Molecular consequence: missense variant.
Genome position (GRCh38, 1-based): chr6:109,454,121, C>T on the plus strand (G>A on the coding strand, the complement: MICAL1 is on the minus strand). VCF-style: chr6-109454121-C-T. GRCh37 (hg19) VCF-style: chr6-109775324-C-T.
Other names: c.76G>A (NM_022765.3); c.76G>A, p.Val26Met (NM_001159291.2); c.133G>A, p.Val45Met (NM_001286613.2); short protein forms V45M, V26M.
Identifiers: ClinVar variation 1935719 (VCV001935719.6), dbSNP rs144928591, ClinGen allele CA3953899.
Genomic context (GRCh38, chr6:109,454,121, plus strand): 5'-GCAGCCCCCCACCGGGTTCCAGCCCCAGGGCCCCACACAGCTCCTGGAAGCTGCTCAGCA[C>T]GTCCTGGCACAGCTGGGCCTGCAGGAAGCTCTCAAAGTGGGCATGCGCTGGGTTGGTGGA-3'
Protein context (NP_073602.3, residues 16-36): SFLQAQLCQD[Val26Met]LSSFQELCGA